The following is an entry in ClinVar:

ClinVar aggregate classification (germline): Uncertain significance (1 of 4 stars; one submission).

Submission:

CeGaT Center for Human Genetics Tuebingen
Classification: Uncertain significance. Last evaluated: 2026-01-01. Review status: criteria provided, single submitter. Criteria: CeGaT Center For Human Genetics Tuebingen Variant Classification Criteria Version 2. Collection method: clinical testing. Allele origin: germline. Affected: yes. Observed: 1 variant allele.
Comment: GIPC3: PM2

NM_133261.3(GIPC3):c.457G>A (p.Val153Met)

Gene: GIPC3 (GIPC PDZ domain containing family member 3; plus strand). Cytogenetic location: 19p13.3.
Variant type: single nucleotide variant.
Coding change: c.457G>A on transcript NM_133261.3 (MANE Select); coding-DNA position 457, G replaced by A.
Protein change: p.Val153Met; replaces valine 153 with methionine.
Molecular consequence: missense variant.
Genome position (GRCh38, 1-based): chr19:3,586,859, G>A. VCF-style: chr19-3586859-G-A. GRCh37 (hg19) VCF-style: chr19-3586857-G-A.
Other names: c.457G>A, p.Val153Met (NM_001411144.1); short protein forms V153M.
Identifiers: ClinVar variation 4822385 (VCV004822385.4).